The following is an entry in ClinVar:

ClinVar aggregate classification (germline): Uncertain significance (1 of 4 stars; one submission).

Conditions:
Inborn genetic diseases. Identifiers: MedGen C0950123, MeSH D030342.

gnomAD v4.1: 3 of 1,614,028 alleles (0.00019%); highest among the groups gnomAD compares: Non-Finnish European, 0.00017%; no homozygotes.

Submission:

Ambry Genetics
Classification: Uncertain significance for Inborn genetic diseases. Last evaluated: 2025-08-20. Review status: criteria provided, single submitter. Criteria: Ambry Variant Classification Scheme 2023. Collection method: clinical testing. Allele origin: germline.
Comment: The p.R459K variant (also known as c.1376G>A), located in coding exon 10 of the BMPR2 gene, results from a G to A substitution at nucleotide position 1376. The arginine at codon 459 is replaced by lysine, an amino acid with highly similar properties. This amino acid position is conserved. In addition, this alteration is predicted to be deleterious by in silico analysis. Based on the available evidence, the clinical significance of this variant remains unclear.

NM_001204.7(BMPR2):c.1376G>A (p.Arg459Lys)

Gene: BMPR2 (bone morphogenetic protein receptor type 2; plus strand). Cytogenetic location: 2q33.2.
Variant type: single nucleotide variant.
Coding change: c.1376G>A on transcript NM_001204.7 (MANE Select); coding-DNA position 1376, G replaced by A.
Protein change: p.Arg459Lys; replaces arginine 459 with lysine.
Molecular consequence: missense variant.
Genome position (GRCh38, 1-based): chr2:202,542,410, G>A. VCF-style: chr2-202542410-G-A. GRCh37 (hg19) VCF-style: chr2-203407133-G-A.
Other names: short protein forms R459K.
Identifiers: ClinVar variation 4214511 (VCV004214511.1).
Genomic context (GRCh38, chr2:202,542,410, plus strand): 5'-AGGTTGGAAACCATCCCACTTTTGAGGATATGCAGGTTCTCGTGTCTAGGGAAAAACAGA[G>A]ACCCAAGTTCCCAGAAGCCTGGAAAGAAAATAGCCTGGTAAGAAAAAACTAAGTTATTAA-3'
Protein context (NP_001195.2, residues 449-469): MQVLVSREKQ[Arg459Lys]PKFPEAWKEN